The following is an entry in ClinVar:

NM_032242.4(PLXNA1):c.2314-576C>G

Gene: PLXNA1 (plexin A1; plus strand). Cytogenetic location: 3q21.3.
Variant type: single nucleotide variant.
Coding change: c.2314-576C>G on transcript NM_032242.4 (MANE Select); 576 bases into the intron before coding-DNA position 2314, C replaced by G.
Molecular consequence: intron variant.
Genome position (GRCh38, 1-based): chr3:127,013,444, C>G. VCF-style: chr3-127013444-C-G. GRCh37 (hg19) VCF-style: chr3-126732287-C-G.
Identifiers: ClinVar variation 4538210 (VCV004538210.1).

ClinVar aggregate classification (germline): Uncertain significance (1 of 4 stars; one submission).

Submission:

Greenwood Genetic Center Diagnostic Laboratories, Greenwood Genetic Center
Classification: Uncertain significance. Last evaluated: 2025-05-06. Review status: criteria provided, single submitter. Criteria: ACMG Guidelines, 2015. Collection method: clinical testing. Allele origin: germline. Affected: yes.
Comment: PM2, BP4